The following is an entry in ClinVar:

ClinVar aggregate classification (germline): Uncertain significance (1 of 4 stars; one submission).

Allele frequency attached by ClinVar (database versions not stated): TOPMed below 0.00001; ExAC 0.00001; gnomAD 0.00001; gnomAD exomes 0.00001.

Submission:

Labcorp Genetics (formerly Invitae), Labcorp
Classification: Uncertain significance. Last evaluated: 2024-08-05. Review status: criteria provided, single submitter. Criteria: Invitae Variant Classification Sherloc (09022015). Collection method: clinical testing. Allele origin: germline.
Comment: This sequence change replaces leucine, which is neutral and non-polar, with serine, which is neutral and polar, at codon 380 of the IFT57 protein (p.Leu380Ser). This variant is present in population databases (rs763826129, gnomAD 0.006%). This variant has not been reported in the literature in individuals affected with IFT57-related conditions. ClinVar contains an entry for this variant (Variation ID: 1955652). An algorithm developed to predict the effect of missense changes on protein structure and function (PolyPhen-2) suggests that this variant is likely to be disruptive. In summary, the available evidence is currently insufficient to determine the role of this variant in disease. Therefore, it has been classified as a Variant of Uncertain Significance.

NM_018010.4(IFT57):c.1139T>C (p.Leu380Ser)

Gene: IFT57 (intraflagellar transport 57; minus strand). Cytogenetic location: 3q13.12.
Variant type: single nucleotide variant.
Coding change: c.1139T>C on transcript NM_018010.4 (MANE Select); coding-DNA position 1139, T replaced by C.
Protein change: p.Leu380Ser; replaces leucine 380 with serine.
Molecular consequence: missense variant.
Genome position (GRCh38, 1-based): chr3:108,162,628, A>G on the plus strand (T>C on the coding strand, the complement: IFT57 is on the minus strand). VCF-style: chr3-108162628-A-G. GRCh37 (hg19) VCF-style: chr3-107881475-A-G.
Other names: short protein forms L380S.
Identifiers: ClinVar variation 1955652 (VCV001955652.5), dbSNP rs763826129, ClinGen allele CA2526448.